The following is an entry in ClinVar:

NM_001197104.2(KMT2A):c.8457C>T (p.Ser2819=)

Gene: KMT2A (lysine methyltransferase 2A; plus strand). Cytogenetic location: 11q23.3.
Variant type: single nucleotide variant.
Coding change: c.8457C>T on transcript NM_001197104.2 (MANE Select); coding-DNA position 8457, C replaced by T.
Protein change: p.Ser2819=; no amino-acid change (serine 2819 retained).
Molecular consequence: synonymous variant.
Genome position (GRCh38, 1-based): chr11:118,504,349, C>T. VCF-style: chr11-118504349-C-T. GRCh37 (hg19) VCF-style: chr11-118375064-C-T.
Other names: c.8448C>T, p.Ser2816= (NM_005933.4).
Identifiers: ClinVar variation 742416 (VCV000742416.14), dbSNP rs142499035, ClinGen allele CA6304505.
Genomic context (GRCh38, chr11:118,504,349, plus strand): 5'-CTTGGAAGCTCAGCTCAGCTCATTGGAGTCAAGCCGCAGAGTCCACACAAGTACCCCCTC[C>T]GACAAAAATTTACTGGACACCTATAATACTGAGCTCCTGAAATCAGATTCAGACAATAAC-3'
Protein context (NP_001184033.1, residues 2809-2829): SSRRVHTSTP[Ser2819=]DKNLLDTYNT

ClinVar aggregate classification (germline): Benign/Likely benign. Review status: criteria provided, multiple submitters, no conflicts (2 of 4 stars). 4 submissions from 4 submitters: Benign (2); Likely benign (2). Last evaluated 2026-03-03.

Conditions:
KMT2A-related disorder. Also called: KMT2A-related condition.

Allele frequency attached by ClinVar (database versions not stated): gnomAD exomes 0.00008 and 0.00017; ExAC 0.00021; ESP Exome Variant Server 0.00062; gnomAD 0.00070 and 0.00078; TOPMed 0.00079.
gnomAD v4.1: 231 of 1,613,970 alleles (0.014%); highest among the groups gnomAD compares: African/African-American, 0.24%; no homozygotes.

Submissions (4):

PreventionGenetics, part of Exact Sciences
Classification: Likely benign for KMT2A-related condition. Last evaluated: 2026-03-03. Review status: criteria provided, single submitter. Criteria: ACMG Guidelines, 2015. Collection method: clinical testing. Allele origin: germline.
Comment: This variant is classified as likely benign based on ACMG/AMP sequence variant interpretation guidelines (Richards et al. 2015 PMID: 25741868, with internal and published modifications).

Labcorp Genetics (formerly Invitae), Labcorp
Classification: Benign. Last evaluated: 2025-12-24. Review status: criteria provided, single submitter. Criteria: Invitae Variant Classification Sherloc (09022015). Collection method: clinical testing. Allele origin: germline.

Blueprint Genetics
Classification: Likely benign. Last evaluated: 2024-08-30. Review status: criteria provided, single submitter. Criteria: ACMG Guidelines, 2015. Collection method: clinical testing. Allele origin: germline.

GeneDx
Classification: Benign. Last evaluated: 2021-10-12. Review status: criteria provided, single submitter. Criteria: GeneDx Variant Classification Process June 2021. Collection method: clinical testing. Allele origin: germline. Affected: yes.